The following is an entry in ClinVar:

NM_001278293.3(ARL6):c.92C>G (p.Thr31Arg)

Gene: ARL6 (ARF like GTPase 6; plus strand). Cytogenetic location: 3q11.2.
Variant type: single nucleotide variant.
Coding change: c.92C>G on transcript NM_001278293.3 (MANE Select); coding-DNA position 92, C replaced by G.
Protein change: p.Thr31Arg; replaces threonine 31 with arginine.
Molecular consequence: missense variant. On other transcripts: non-coding transcript variant (7).
Genome position (GRCh38, 1-based): chr3:97,768,199, C>G. VCF-style: chr3-97768199-C-G. GRCh37 (hg19) VCF-style: chr3-97487043-C-G.
Other names: c.92C>G, p.Thr31Arg (NM_001323513.2, NM_001323514.2, NM_032146.5 and 1 more transcripts); short protein forms T31R.
Identifiers: ClinVar variation 2044 (VCV000002044.14), dbSNP rs104893680, ClinGen allele CA252073.

ClinVar aggregate classification (germline): Pathogenic/Likely pathogenic. Review status: criteria provided, multiple submitters, no conflicts (2 of 4 stars). 6 submissions from 6 submitters: Pathogenic (3); Likely pathogenic (2). 1 of the submissions does not count toward it. Last evaluated 2026-03-12.

Conditions:
ARL6-related disorder. Also called: ARL6-related condition.
Retinitis pigmentosa 55 (RP55). Identifiers: Orphanet 791, MedGen C3150808, MONDO:0013312, OMIM 613575.
Bardet-Biedl syndrome 3 (BBS3). Identifiers: Orphanet 110, MedGen C1859564, MONDO:0010832, OMIM 600151.
Bardet-Biedl syndrome 1 (BBS1). Identifiers: MedGen C2936862, MONDO:0008854, OMIM 209900. Disease mechanism: loss of function.
Retinal dystrophy. Also called: Inherited retinal dystrophy. Identifiers: Orphanet 71862, MedGen C0854723, MeSH D058499, MONDO:0019118, HP:0000556.

Allele frequency attached by ClinVar (database versions not stated): gnomAD 0.00001; TOPMed 0.00003.
gnomAD v4.1: 1 of 1,612,642 alleles (0.000062%); highest among the groups gnomAD compares: African/African-American, 0.0013%; no homozygotes.

Submissions (6):

PreventionGenetics, part of Exact Sciences
Classification: Likely pathogenic for ARL6-related condition. Last evaluated: 2026-03-12. Review status: criteria provided, single submitter. Criteria: ACMG Guidelines, 2015. Collection method: clinical testing. Allele origin: germline.
Comment: The ARL6 c.92C>G variant is predicted to result in the amino acid substitution p.Thr31Arg. This variant has been reported in the homozygous state in individuals with Bardet-Biedl syndrome (referred to as 445C>G, Fan et al. 2004. PubMed ID: 15314642). In vitro functional studies demonstrate that this variant can alter the GTP-binding ability of the protein (Kobayashi et al. 2009. PubMed ID: 19236846). An alternate missense change at the same amino acid position (c.92C>T p.Thr31Met) has been reported in individuals with Bardet-Biedl syndrome (Fan et al. 2004. PubMed ID: 15314642). This variant has not been reported in a large population database (gnomAD), indicating this variant is rare. This variant is interpreted as likely pathogenic.

Fulgent Genetics
Classification: Likely pathogenic for Bardet-Biedl syndrome 1; Bardet-Biedl syndrome 3; Retinitis pigmentosa 55. Last evaluated: 2024-05-28. Review status: criteria provided, single submitter. Criteria: ACMG Guidelines, 2015. Collection method: clinical testing. Allele origin: germline.

Labcorp Genetics (formerly Invitae), Labcorp
Classification: Pathogenic for Retinitis pigmentosa 55; Bardet-Biedl syndrome 3. Last evaluated: 2023-12-17. Review status: criteria provided, single submitter. Criteria: Invitae Variant Classification Sherloc (09022015). Collection method: clinical testing. Allele origin: germline.
Comment: This sequence change replaces threonine, which is neutral and polar, with arginine, which is basic and polar, at codon 31 of the ARL6 protein (p.Thr31Arg). This variant is not present in population databases (gnomAD no frequency). This missense change has been observed in individual(s) with Bardet–Biedl syndrome (PMID: 15314642). It has also been observed to segregate with disease in related individuals. ClinVar contains an entry for this variant (Variation ID: 2044). An algorithm developed to predict the effect of missense changes on protein structure and function (PolyPhen-2) suggests that this variant is likely to be disruptive. Experimental studies have shown that this missense change affects ARL6 function (PMID: 19236846). For these reasons, this variant has been classified as Pathogenic.

Blueprint Genetics
Classification: Pathogenic for ARL6-related disorders. Last evaluated: 2022-02-25. Review status: criteria provided, single submitter. Criteria: ACMG Guidelines, 2015. Collection method: clinical testing. Allele origin: germline. Affected: yes. Observed: 3 variant alleles.

Institute of Human Genetics, Univ. Regensburg, Univ. Regensburg
Classification: Pathogenic for Retinal dystrophy. Last evaluated: 2019-01-01. Review status: criteria provided, single submitter. Criteria: ACMG Guidelines, 2015. Collection method: clinical testing. Allele origin: germline. Affected: yes.

OMIM
Classification: Pathogenic for BARDET-BIEDL SYNDROME 3. Last evaluated: 2004-09-01. Review status: no assertion criteria provided. Collection method: literature only. Allele origin: germline. Not counted in ClinVar's aggregate classification.

Literature cited by the submitters: PubMed 15314642 (cited by Labcorp Genetics (formerly Invitae), Labcorp and Institute of Human Genetics, Univ. Regensburg, Univ. Regensburg); PubMed 19236846 (cited by Labcorp Genetics (formerly Invitae), Labcorp and Institute of Human Genetics, Univ. Regensburg, Univ. Regensburg); PubMed 20498079 (cited by Institute of Human Genetics, Univ. Regensburg, Univ. Regensburg); Fan, Y., Esmail, M. A., Ansley, S. J., Blacque, O. E., Boroevich, K., Ross, A. J., Moore, S. J., Badano, J. L., May-Simera, H., Compton, D. S., Green, J. S., Lewis, R. A., van Haelst, M. M., Parfrey, P. S., Baillie, D. L., Beales, P. L., Katsanis, N., Davidson, W. S., Leroux, M. R. Mutations in a member of the Ras superfamily of small GTP-binding proteins causes Bardet-Biedl syndrome. Nature Genet. 36: 989-993, 2004. (cited by OMIM).